The following is an entry in ClinVar:

ClinVar aggregate classification (germline): Conflicting classifications of pathogenicity. Review status: criteria provided, conflicting classifications (1 of 4 stars). 9 submissions from 9 submitters: Uncertain significance (8); Likely benign (1). Last evaluated 2026-05-13.

Conditions:
RET-related disorder. Also called: RET-related condition; RET-related disease; RET-related disorders.
Hereditary cancer-predisposing syndrome. Also called: Neoplastic Syndromes, Hereditary; Tumor predisposition; Hereditary Cancer Syndrome; Hereditary neoplastic syndrome. Identifiers: Orphanet 140162, MedGen C0027672, MeSH D009386, MONDO:0015356.
Multiple endocrine neoplasia, type 2 (MEN2). Identifiers: Orphanet 653, MedGen C4048306, MONDO:0019003. Disease mechanism: gain of function.
Hirschsprung disease, susceptibility to, 1 (HSCR1). Also called: RET-Related Hirschsprung Disease. Identifiers: Orphanet 388, MedGen C3888239, MONDO:0007723, OMIM 142623.

Allele frequency attached by ClinVar (database versions not stated): gnomAD 0.00001; ExAC 0.00002; gnomAD exomes 0.00002; TOPMed 0.00004.

Submissions (9):

PreventionGenetics, part of Exact Sciences
Classification: Uncertain significance for RET-related condition. Last evaluated: 2026-05-13. Review status: criteria provided, single submitter. Criteria: ACMG Guidelines, 2015. Collection method: clinical testing. Allele origin: germline.
Comment: The RET c.3326T>C variant is predicted to result in the amino acid substitution p.Met1109Thr. To our knowledge, this variant has not been reported in the literature. This variant is reported in 0.0035% of alleles in individuals of European (Non-Finnish) descent in gnomAD and has conflicting interpretations regarding its pathogenicity in ClinVar, ranging from uncertain to likely benign (Variation ID: 136119). At this time, the clinical significance of this variant is uncertain due to the absence of conclusive functional and genetic evidence.

Labcorp Genetics (formerly Invitae), Labcorp
Classification: Uncertain significance for Multiple endocrine neoplasia, type 2. Last evaluated: 2026-02-01. Review status: criteria provided, single submitter. Criteria: Invitae Variant Classification Sherloc (09022015). Collection method: clinical testing. Allele origin: germline.
Comment: This sequence change replaces methionine, which is neutral and non-polar, with threonine, which is neutral and polar, at codon 1109 of the RET protein (p.Met1109Thr). This variant is present in population databases (rs587780813, gnomAD 0.004%). This variant has not been reported in the literature in individuals affected with RET-related conditions. ClinVar contains an entry for this variant (Variation ID: 136119). An algorithm developed to predict the effect of missense changes on protein structure and function (PolyPhen-2) suggests that this variant is likely to be tolerated. In summary, the available evidence is currently insufficient to determine the role of this variant in disease. Therefore, it has been classified as a Variant of Uncertain Significance.

Color Diagnostics, LLC DBA Color Health
Classification: Uncertain significance for Multiple endocrine neoplasia, type 2. Last evaluated: 2025-06-02. Review status: criteria provided, single submitter. Criteria: ACMG Guidelines, 2015. Collection method: clinical testing. Allele origin: germline.
Comment: This missense variant replaces methionine with threonine at codon 1109 of the RET protein. Computational prediction suggests that this variant may not impact protein structure and function. To our knowledge, functional studies have not been reported for this variant. This variant has not been reported as a germline variant in individuals affected with hereditary cancer in the literature. This variant has been identified in 4/251494 chromosomes in the general population by the Genome Aggregation Database (gnomAD). The available evidence is insufficient to determine the role of this variant in disease conclusively. Therefore, this variant is classified as a Variant of Uncertain Significance.

Quest Diagnostics Nichols Institute San Juan Capistrano
Classification: Uncertain significance. Last evaluated: 2024-12-19. Review status: criteria provided, single submitter. Criteria: Quest Diagnostics criteria. Collection method: clinical testing. Allele origin: unknown.

GeneDx
Classification: Uncertain significance. Last evaluated: 2024-04-16. Review status: criteria provided, single submitter. Criteria: GeneDx Variant Classification Process June 2021. Collection method: clinical testing. Allele origin: germline. Affected: yes.
Comment: Not observed at significant frequency in large population cohorts (gnomAD); In silico analysis indicates that this missense variant does not alter protein structure/function; Has not been previously published as pathogenic or benign germline variant to our knowledge; This variant is associated with the following publications: (PMID: 27683183, 24663046, 14633923)

Baylor Genetics
Classification: Uncertain significance for Hirschsprung disease, susceptibility to, 1. Last evaluated: 2024-03-24. Review status: criteria provided, single submitter. Criteria: ACMG Guidelines, 2015. Collection method: clinical testing. Allele origin: unknown.

All of Us Research Program, National Institutes of Health
Classification: Uncertain significance for Multiple endocrine neoplasia, type 2. Last evaluated: 2023-12-13. Review status: criteria provided, single submitter. Criteria: ACMG Guidelines, 2015. Collection method: clinical testing. Allele origin: germline. Inheritance: Autosomal dominant inheritance. Observed: 7 variant alleles, 7 heterozygotes.
Comment: This missense variant replaces methionine with threonine at codon 1109 of the RET protein. Computational prediction suggests that this variant may not impact protein structure and function (internally defined REVEL score threshold <= 0.5, PMID: 27666373). To our knowledge, functional studies have not been reported for this variant. This variant has not been reported as a germline variant in individuals affected with hereditary cancer in the literature. This variant has been identified in 4/251494 chromosomes in the general population by the Genome Aggregation Database (gnomAD). The available evidence is insufficient to determine the role of this variant in disease conclusively. Therefore, this variant is classified as a Variant of Uncertain Significance.

This study involves interpretation of variants in research participants for the purpose of population health screening. Participant phenotype was not available at the time of variant classification. Additional details can be found in publication PMID: 35346344, PMCID: PMC8962531

Ambry Genetics
Classification: Likely benign for Hereditary cancer-predisposing syndrome. Last evaluated: 2020-04-28. Review status: criteria provided, single submitter. Criteria: Ambry Variant Classification Scheme 2023. Collection method: clinical testing. Allele origin: germline.

Blueprint Genetics
Classification: Uncertain significance. Last evaluated: 2017-06-15. Review status: criteria provided, single submitter. Criteria: ACMG Guidelines, 2015. Collection method: clinical testing. Allele origin: germline.

NM_020975.6(RET):c.3326T>C (p.Met1109Thr)

Gene: RET (ret proto-oncogene; plus strand). Cytogenetic location: 10q11.21.
Variant type: single nucleotide variant.
Coding change: c.3326T>C on transcript NM_020975.6 (MANE Select); coding-DNA position 3326, T replaced by C.
Protein change: p.Met1109Thr; replaces methionine 1109 with threonine.
Molecular consequence: missense variant.
Genome position (GRCh38, 1-based): chr10:43,128,250, T>C. VCF-style: chr10-43128250-T-C. GRCh37 (hg19) VCF-style: chr10-43623698-T-C.
Other names: c.3326T>C (LRG_518t1); short protein forms M1109T.
Identifiers: ClinVar variation 136119 (VCV000136119.25), dbSNP rs587780813, ClinGen allele CA010962.
Genomic context (GRCh38, chr10:43,128,250, plus strand): 5'-GATATCCAAATGATAGTGTATATGCTAACTGGATGCTTTCACCCTCAGCGGCAAAATTAA[T>C]GGACACGTTTGATAGTTAACATTTCTTTGTGAAAGGTAATGGACTCACAAGGGGAAGAAA-3'
Protein context (NP_066124.1, residues 1099-1114): WMLSPSAAKL[Met1109Thr]DTFDS